The following is an entry in ClinVar:

ClinVar aggregate classification (germline): Uncertain significance (1 of 4 stars; one submission).

Conditions:
Inborn genetic diseases. Identifiers: MedGen C0950123, MeSH D030342.

Submission:

Ambry Genetics
Classification: Uncertain significance for Inborn genetic diseases. Last evaluated: 2025-12-27. Review status: criteria provided, single submitter. Criteria: Ambry Variant Classification Scheme 2023. Collection method: clinical testing. Allele origin: germline.
Comment: The p.G34V variant (also known as c.101G>T), located in coding exon 1 of the SAMD9L gene, results from a G to T substitution at nucleotide position 101. The glycine at codon 34 is replaced by valine, an amino acid with dissimilar properties. This amino acid position is conserved. In addition, this alteration is predicted to be tolerated by in silico analysis. Based on the available evidence, the clinical significance of this variant remains unclear.

NM_152703.5(SAMD9L):c.101G>T (p.Gly34Val)

Gene: SAMD9L (sterile alpha motif domain containing 9 like; minus strand). Cytogenetic location: 7q21.2.
Variant type: single nucleotide variant.
Coding change: c.101G>T on transcript NM_152703.5 (MANE Select); coding-DNA position 101, G replaced by T.
Protein change: p.Gly34Val; replaces glycine 34 with valine.
Molecular consequence: missense variant.
Genome position (GRCh38, 1-based): chr7:93,135,871, C>A on the plus strand (G>T on the coding strand, the complement: SAMD9L is on the minus strand). VCF-style: chr7-93135871-C-A. GRCh37 (hg19) VCF-style: chr7-92765184-C-A.
Other names: c.101G>T, p.Gly34Val (NM_001350082.2, NM_001350083.2, NM_001350084.2 and 5 more transcripts); short protein forms G34V.
Identifiers: ClinVar variation 4842020 (VCV004842020.1).
Genomic context (GRCh38, chr7:93,135,871, plus strand): 5'-TCCTTCTCAGTTAATTCCTGCAGGACTAATCCTGTTACTTCTTCACTGAGCAGAATTTGC[C>A]CGTATTGCTCATTAATCTTAAGGTCTTCATTTACCCATTTTTTCACATGCTCTTTGGTCC-3'
Protein context (NP_689916.2, residues 24-44): NEDLKINEQY[Gly34Val]QILLSEEVTG